The following is an entry in ClinVar:

ClinVar aggregate classification (germline): Uncertain significance. Review status: criteria provided, multiple submitters, no conflicts (2 of 4 stars). 2 submissions from 2 submitters: Uncertain significance (2). Last evaluated 2025-11-11.

Conditions:
Inborn genetic diseases. Identifiers: MedGen C0950123, MeSH D030342.

Allele frequency attached by ClinVar (database versions not stated): ExAC 0.00007; TOPMed 0.00005; gnomAD 0.00006; gnomAD exomes 0.00004.
gnomAD v4.1: 48 of 1,613,806 alleles (0.003%); highest among the groups gnomAD compares: Admixed American, 0.018%; no homozygotes.

Submissions (2):

Ambry Genetics
Classification: Uncertain significance for Inborn genetic diseases. Last evaluated: 2025-11-11. Review status: criteria provided, single submitter. Criteria: Ambry Variant Classification Scheme 2023. Collection method: clinical testing. Allele origin: germline.

Labcorp Genetics (formerly Invitae), Labcorp
Classification: Uncertain significance. Last evaluated: 2021-11-26. Review status: criteria provided, single submitter. Criteria: Invitae Variant Classification Sherloc (09022015). Collection method: clinical testing. Allele origin: germline.
Comment: This sequence change replaces phenylalanine, which is neutral and non-polar, with cysteine, which is neutral and slightly polar, at codon 1903 of the LRRK1 protein (p.Phe1903Cys). This variant is present in population databases (rs779676368, gnomAD 0.06%). This variant has not been reported in the literature in individuals affected with LRRK1-related conditions. Algorithms developed to predict the effect of missense changes on protein structure and function (SIFT, PolyPhen-2, Align-GVGD) all suggest that this variant is likely to be tolerated. In summary, the available evidence is currently insufficient to determine the role of this variant in disease. Therefore, it has been classified as a Variant of Uncertain Significance.

NM_024652.6(LRRK1):c.5708T>G (p.Phe1903Cys)

Genes: LRRK1 (leucine rich repeat kinase 1; plus strand), LRRK1-AS1 (LRRK1 antisense RNA 1; minus strand). Cytogenetic location: 15q26.3.
Variant type: single nucleotide variant.
Coding change: c.5708T>G on transcript NM_024652.6 (MANE Select); coding-DNA position 5708, T replaced by G.
Protein change: p.Phe1903Cys; replaces phenylalanine 1903 with cysteine.
Molecular consequence: missense variant.
Genome position (GRCh38, 1-based): chr15:101,066,145, T>G. VCF-style: chr15-101066145-T-G. GRCh37 (hg19) VCF-style: chr15-101606350-T-G.
Other names: c.5708T>G (NM_024652.3); short protein forms F1903C.
Identifiers: ClinVar variation 1523363 (VCV001523363.5), dbSNP rs779676368, ClinGen allele CA7762206.
Genomic context (GRCh38, chr15:101,066,145, plus strand): 5'-CGCCCGGTGCTGCCTCCGACAGGTCTGAGCATGACCTGACCCCCATGGACGGGGAGACCT[T>G]CAGCCAGCACCTGCAGGCCGTGAAGATCCTCGCCGTCAGAGACCTCATTTGGGTCCCCAG-3'
Protein context (NP_078928.3, residues 1893-1913): HDLTPMDGET[Phe1903Cys]SQHLQAVKIL